The following is an entry in ClinVar:

ClinVar aggregate classification (germline): Uncertain significance (1 of 4 stars; one submission).

Allele frequency attached by ClinVar (database versions not stated): gnomAD 0.00003; gnomAD exomes 0.00005; ExAC 0.00007.
gnomAD v4.1: 39 of 1,593,296 alleles (0.0024%); highest among the groups gnomAD compares: Non-Finnish European, 0.0011%; no homozygotes.

Submission:

Labcorp Genetics (formerly Invitae), Labcorp
Classification: Uncertain significance. Last evaluated: 2024-10-15. Review status: criteria provided, single submitter. Criteria: Invitae Variant Classification Sherloc (09022015). Collection method: clinical testing. Allele origin: germline.
Comment: This sequence change replaces lysine, which is basic and polar, with methionine, which is neutral and non-polar, at codon 260 of the TBCK protein (p.Lys260Met). This variant is present in population databases (rs759711628, gnomAD 0.05%). This variant has not been reported in the literature in individuals affected with TBCK-related conditions. ClinVar contains an entry for this variant (Variation ID: 2117283). Invitae Evidence Modeling of protein sequence and biophysical properties (such as structural, functional, and spatial information, amino acid conservation, physicochemical variation, residue mobility, and thermodynamic stability) indicates that this missense variant is not expected to disrupt TBCK protein function with a negative predictive value of 80%. In summary, the available evidence is currently insufficient to determine the role of this variant in disease. Therefore, it has been classified as a Variant of Uncertain Significance.

NM_001163435.3(TBCK):c.779A>T (p.Lys260Met)

Gene: TBCK (TBC1 domain containing kinase; minus strand). Cytogenetic location: 4q24.
Variant type: single nucleotide variant.
Coding change: c.779A>T on transcript NM_001163435.3 (MANE Select); coding-DNA position 779, A replaced by T.
Protein change: p.Lys260Met; replaces lysine 260 with methionine.
Molecular consequence: missense variant.
Genome position (GRCh38, 1-based): chr4:106,248,248, T>A on the plus strand (A>T on the coding strand, the complement: TBCK is on the minus strand). VCF-style: chr4-106248248-T-A. GRCh37 (hg19) VCF-style: chr4-107169405-T-A.
Other names: c.779A>T, p.Lys260Met (NM_001163436.4); c.662A>T, p.Lys221Met (NM_001163437.3); c.263A>T, p.Lys88Met (NM_001290768.2); c.590A>T, p.Lys197Met (NM_033115.5); short protein forms K88M, K221M, K197M, K260M.
Identifiers: ClinVar variation 2117283 (VCV002117283.4), dbSNP rs759711628, ClinGen allele CA3035307.